The following is an entry in ClinVar:

NM_001123385.2(BCOR):c.4756C>T (p.Leu1586Phe)

Gene: BCOR (BCL6 corepressor; minus strand). Cytogenetic location: Xp11.4.
Variant type: single nucleotide variant.
Coding change: c.4756C>T on transcript NM_001123385.2 (MANE Select); coding-DNA position 4756, C replaced by T.
Protein change: p.Leu1586Phe; replaces leucine 1586 with phenylalanine.
Molecular consequence: missense variant.
Genome position (GRCh38, 1-based): chrX:40,054,319, G>A on the plus strand (C>T on the coding strand, the complement: BCOR is on the minus strand). VCF-style: chrX-40054319-G-A. GRCh37 (hg19) VCF-style: chrX-39913572-G-A.
Other names: c.4654C>T, p.Leu1552Phe (NM_001123383.2, NM_017745.6); c.4600C>T, p.Leu1534Phe (NM_001123384.2); short protein forms L1534F, L1552F, L1586F.
Identifiers: ClinVar variation 3342770 (VCV003342770.3).

ClinVar aggregate classification (germline): Uncertain significance. Review status: criteria provided, multiple submitters, no conflicts (2 of 4 stars). 2 submissions from 2 submitters: Uncertain significance (2). Last evaluated 2025-04-24.

Conditions:
Oculofaciocardiodental syndrome (MCOPS2). Identifiers: Orphanet 2712, MedGen C1846265, MONDO:0010261, OMIM 300166.

Submissions (2):

Labcorp Genetics (formerly Invitae), Labcorp
Classification: Uncertain significance for Oculofaciocardiodental syndrome. Last evaluated: 2025-04-24. Review status: criteria provided, single submitter. Criteria: Invitae Variant Classification Sherloc (09022015). Collection method: clinical testing. Allele origin: germline.
Comment: This sequence change replaces leucine, which is neutral and non-polar, with phenylalanine, which is neutral and non-polar, at codon 1552 of the BCOR protein (p.Leu1552Phe). This variant is not present in population databases (gnomAD no frequency). This variant has not been reported in the literature in individuals affected with BCOR-related conditions. ClinVar contains an entry for this variant (Variation ID: 3342770). Invitae Evidence Modeling of protein sequence and biophysical properties (such as structural, functional, and spatial information, amino acid conservation, physicochemical variation, residue mobility, and thermodynamic stability) has been performed for this missense variant. However, the output from this modeling did not meet the statistical confidence thresholds required to predict the impact of this variant on BCOR protein function. In summary, the available evidence is currently insufficient to determine the role of this variant in disease. Therefore, it has been classified as a Variant of Uncertain Significance.

GeneDx
Classification: Uncertain significance. Last evaluated: 2024-09-27. Review status: criteria provided, single submitter. Criteria: GeneDx Variant Classification Process June 2021. Collection method: clinical testing. Allele origin: germline.
Comment: Not observed at significant frequency in large population cohorts (gnomAD); In silico analysis supports that this missense variant has a deleterious effect on protein structure/function; Has not been previously published as pathogenic or benign to our knowledge